The following is an entry in ClinVar:

ClinVar aggregate classification (germline): Uncertain significance. Review status: criteria provided, multiple submitters, no conflicts (2 of 4 stars). 2 submissions from 2 submitters: Uncertain significance (2). Last evaluated 2022-05-06.

Conditions:
Autosomal recessive ataxia, Beauce type. Also called: SYNE1-Related Autosomal Recessive Cerebellar Ataxia; Spinocerebellar ataxia, autosomal recessive 8; ATAXIA, RECESSIVE, OF BEAUCE; SYNE1 Deficiency. Identifiers: Orphanet 88644, MedGen C1853116, MONDO:0012549, OMIM 610743.
Emery-Dreifuss muscular dystrophy 4, autosomal dominant (EDMD4). Also called: EMERY-DREIFUSS MUSCULAR DYSTROPHY 4 WITH VARIABLE FEATURES. Identifiers: Orphanet 261, MedGen C2751807, MONDO:0013071, OMIM 612998.

Allele frequency attached by ClinVar (database versions not stated): ExAC 0.00001; ESP Exome Variant Server 0.00008.
gnomAD v4.1: 12 of 1,614,164 alleles (0.00074%); highest among the groups gnomAD compares: East Asian, 0.0022%; no homozygotes.

Submissions (2):

Labcorp Genetics (formerly Invitae), Labcorp
Classification: Uncertain significance for Emery-Dreifuss muscular dystrophy 4, autosomal dominant; Autosomal recessive ataxia, Beauce type. Last evaluated: 2022-05-06. Review status: criteria provided, single submitter. Criteria: Invitae Variant Classification Sherloc (09022015). Collection method: clinical testing. Allele origin: germline.
Comment: This sequence change replaces arginine, which is basic and polar, with histidine, which is basic and polar, at codon 934 of the SYNE1 protein (p.Arg934His). In summary, the available evidence is currently insufficient to determine the role of this variant in disease. Therefore, it has been classified as a Variant of Uncertain Significance. Algorithms developed to predict the effect of missense changes on protein structure and function are either unavailable or do not agree on the potential impact of this missense change (SIFT: "Deleterious"; PolyPhen-2: "Probably Damaging"; Align-GVGD: "Class C0"). This variant has not been reported in the literature in individuals affected with SYNE1-related conditions. This variant is present in population databases (rs138453650, gnomAD 0.01%).

Revvity Omics, Revvity
Classification: Uncertain significance. Last evaluated: 2020-09-29. Review status: criteria provided, single submitter. Criteria: ACMG Guidelines, 2015. Collection method: clinical testing. Allele origin: germline.

NM_182961.4(SYNE1):c.2780G>A (p.Arg927His)

Gene: SYNE1 (spectrin repeat containing nuclear envelope protein 1; minus strand). Cytogenetic location: 6q25.2.
Variant type: single nucleotide variant.
Coding change: c.2780G>A on transcript NM_182961.4 (MANE Select); coding-DNA position 2780, G replaced by A.
Protein change: p.Arg927His; replaces arginine 927 with histidine.
Molecular consequence: missense variant.
Genome position (GRCh38, 1-based): chr6:152,455,538, C>T on the plus strand (G>A on the coding strand, the complement: SYNE1 is on the minus strand). VCF-style: chr6-152455538-C-T. GRCh37 (hg19) VCF-style: chr6-152776673-C-T.
Other names: c.2801G>A, p.Arg934His (NM_033071.5); short protein forms R927H, R934H.
Identifiers: ClinVar variation 2153276 (VCV002153276.7), dbSNP rs138453650, ClinGen allele CA4059028.